The following is an entry in ClinVar:

NM_173354.5(SIK1):c.1864A>G (p.Arg622Gly)

Gene: SIK1 (salt inducible kinase 1; minus strand). Cytogenetic location: 21q22.3.
Variant type: single nucleotide variant.
Coding change: c.1864A>G on transcript NM_173354.5 (MANE Select); coding-DNA position 1864, A replaced by G.
Protein change: p.Arg622Gly; replaces arginine 622 with glycine.
Molecular consequence: missense variant.
Genome position (GRCh38, 1-based): chr21:43,417,655, T>C on the plus strand (A>G on the coding strand, the complement: SIK1 is on the minus strand). VCF-style: chr21-43417655-T-C. GRCh37 (hg19) VCF-style: chr21-44837535-T-C.
Other names: short protein forms R622G.
Identifiers: ClinVar variation 4773904 (VCV004773904.1).

ClinVar aggregate classification (germline): Uncertain significance (1 of 4 stars; one submission).

Conditions:
Developmental and epileptic encephalopathy, 30 (DEE30). Also called: Epileptic encephalopathy, early infantile, 30. Identifiers: MedGen C4225360, MONDO:0014595, OMIM 616341.

Submission:

Labcorp Genetics (formerly Invitae), Labcorp
Classification: Uncertain significance for Developmental and epileptic encephalopathy, 30. Last evaluated: 2025-04-09. Review status: criteria provided, single submitter. Criteria: Invitae Variant Classification Sherloc (09022015). Collection method: clinical testing. Allele origin: germline.
Comment: This sequence change replaces arginine, which is basic and polar, with glycine, which is neutral and non-polar, at codon 622 of the SIK1 protein (p.Arg622Gly). This variant is not present in population databases (gnomAD no frequency). This variant has not been reported in the literature in individuals affected with SIK1-related conditions. Invitae Evidence Modeling of protein sequence and biophysical properties (such as structural, functional, and spatial information, amino acid conservation, physicochemical variation, residue mobility, and thermodynamic stability) indicates that this missense variant is not expected to disrupt SIK1 protein function with a negative predictive value of 95%. In summary, the available evidence is currently insufficient to determine the role of this variant in disease. Therefore, it has been classified as a Variant of Uncertain Significance.